The following is an entry in ClinVar:

ClinVar aggregate classification (germline): Uncertain significance (1 of 4 stars; one submission).

Conditions:
Ichthyosis and erythrokeratoderma.

gnomAD v4.1: 7 of 1,604,874 alleles (0.00044%); highest among the groups gnomAD compares: Non-Finnish European, 0.0006%; no homozygotes.

Submission:

Genetics Laboratory, Great Ormond Street Hospital NHS Foundation Trust, North Thames Genomic Laboratory Hub
Classification: Uncertain significance for Ichthyosis and erythrokeratoderma. Last evaluated: 2026-01-07. Review status: criteria provided, single submitter. Criteria: ACGS Best Practice Guidelines for Variant Classification in Rare Disease 2024 v1.2. Collection method: clinical testing. Allele origin: germline. Affected: yes.
Comment: PM2_moderate, PM3_moderate

NM_001139.3(ALOX12B):c.1375G>T (p.Gly459Cys)

Gene: ALOX12B (arachidonate 12-lipoxygenase, 12R type; minus strand). Cytogenetic location: 17p13.1.
Variant type: single nucleotide variant.
Coding change: c.1375G>T on transcript NM_001139.3 (MANE Select); coding-DNA position 1375, G replaced by T.
Protein change: p.Gly459Cys; replaces glycine 459 with cysteine.
Molecular consequence: missense variant.
Genome position (GRCh38, 1-based): chr17:8,076,332, C>A on the plus strand (G>T on the coding strand, the complement: ALOX12B is on the minus strand). VCF-style: chr17-8076332-C-A. GRCh37 (hg19) VCF-style: chr17-7979650-C-A.
Other names: short protein forms G459C.
Identifiers: ClinVar variation 4813129 (VCV004813129.1).
Genomic context (GRCh38, chr17:8,076,332, plus strand): 5'-GGCTGTCATAGGTGAGCTCCGACAGAGCCCGTACCATCACCCCAGCAAAGCCTTCCACGC[C>A]CAGGGACATGCCCTGTGAGGAAGGAGGCAGATCCTGGAGCCGGACAGGCATCCCTGGAAC-3'
Protein context (NP_001130.1, residues 449-469): GGLSAKGMSL[Gly459Cys]VEGFAGVMVR